The following is an entry in ClinVar:

ClinVar aggregate classification (germline): Uncertain significance. Review status: criteria provided, multiple submitters, no conflicts (2 of 4 stars). 3 submissions from 3 submitters: Uncertain significance (3). Last evaluated 2026-04-01.

Conditions:
MYH3-related disorder. Also called: MYH3-related condition; MYH3-Related Disorders. Identifiers: MedGen CN239329.
Inborn genetic diseases. Identifiers: MedGen C0950123, MeSH D030342.

Allele frequency attached by ClinVar (database versions not stated): ExAC 0.00001; gnomAD 0.00004; TOPMed 0.00006.
gnomAD v4.1: 40 of 1,613,488 alleles (0.0025%); highest among the groups gnomAD compares: Middle Eastern, 0.016%; no homozygotes.

Submissions (3):

PreventionGenetics, part of Exact Sciences
Classification: Uncertain significance for MYH3-related condition. Last evaluated: 2026-04-01. Review status: criteria provided, single submitter. Criteria: ACMG Guidelines, 2015. Collection method: clinical testing. Allele origin: germline.
Comment: The MYH3 c.3502C>T variant is predicted to result in the amino acid substitution p.Arg1168Trp. To our knowledge, this variant has not been reported in the literature. This variant is reported in 0.0050% of alleles in individuals of East Asian descent in gnomAD. At this time, the clinical significance of this variant is uncertain due to the absence of conclusive functional and genetic evidence.

Labcorp Genetics (formerly Invitae), Labcorp
Classification: Uncertain significance. Last evaluated: 2024-12-23. Review status: criteria provided, single submitter. Criteria: Invitae Variant Classification Sherloc (09022015). Collection method: clinical testing. Allele origin: germline.
Comment: This sequence change replaces arginine, which is basic and polar, with tryptophan, which is neutral and slightly polar, at codon 1168 of the MYH3 protein (p.Arg1168Trp). This variant is present in population databases (rs771377160, gnomAD 0.005%). This variant has not been reported in the literature in individuals affected with MYH3-related conditions. ClinVar contains an entry for this variant (Variation ID: 1974417). Invitae Evidence Modeling of protein sequence and biophysical properties (such as structural, functional, and spatial information, amino acid conservation, physicochemical variation, residue mobility, and thermodynamic stability) has been performed for this missense variant. However, the output from this modeling did not meet the statistical confidence thresholds required to predict the impact of this variant on MYH3 protein function. In summary, the available evidence is currently insufficient to determine the role of this variant in disease. Therefore, it has been classified as a Variant of Uncertain Significance.

Ambry Genetics
Classification: Uncertain significance for Inborn genetic diseases. Last evaluated: 2022-12-14. Review status: criteria provided, single submitter. Criteria: Ambry Variant Classification Scheme 2023. Collection method: clinical testing. Allele origin: germline.

NM_002470.4(MYH3):c.3502C>T (p.Arg1168Trp)

Gene: MYH3 (myosin heavy chain 3; minus strand). Cytogenetic location: 17p13.1.
Variant type: single nucleotide variant.
Coding change: c.3502C>T on transcript NM_002470.4 (MANE Select); coding-DNA position 3502, C replaced by T.
Protein change: p.Arg1168Trp; replaces arginine 1168 with tryptophan.
Molecular consequence: missense variant.
Genome position (GRCh38, 1-based): chr17:10,638,270, G>A on the plus strand (C>T on the coding strand, the complement: MYH3 is on the minus strand). VCF-style: chr17-10638270-G-A. GRCh37 (hg19) VCF-style: chr17-10541587-G-A.
Other names: short protein forms R1168W.
Identifiers: ClinVar variation 1974417 (VCV001974417.7), dbSNP rs771377160, ClinGen allele CA8392494.